The following is an entry in ClinVar:

ClinVar aggregate classification (germline): Uncertain significance (1 of 4 stars; one submission).

Conditions:
Severe combined immunodeficiency, autosomal recessive, T cell-negative, B cell-negative, NK cell-positive. Also called: SCID, AR, T-cell negative, B-cell negative, NK cell-positive; SCID, T CELL-NEGATIVE, B CELL-NEGATIVE, NK CELL-POSITIVE; Severe combined immunodeficiency due to complete RAG1/2 deficiency. Identifiers: Orphanet 331206, MedGen C1832322, MONDO:0011086, OMIM 601457.
Combined immunodeficiency with skin granulomas. Identifiers: Orphanet 157949, MedGen C2673536, MONDO:0009306, OMIM 233650.

Submission:

Labcorp Genetics (formerly Invitae), Labcorp
Classification: Uncertain significance for Combined immunodeficiency with skin granulomas; Severe combined immunodeficiency, autosomal recessive, T cell-negative, B cell-negative, NK cell-positive. Last evaluated: 2017-07-03. Review status: criteria provided, single submitter. Criteria: Invitae Variant Classification Sherloc (09022015). Collection method: clinical testing. Allele origin: germline.
Comment: This sequence change replaces proline with leucine at codon 284 of the RAG1 protein (p.Pro284Leu). The proline residue is highly conserved and there is a moderate physicochemical difference between proline and leucine. This variant is not present in population databases (ExAC no frequency) and has not been reported in the literature in individuals with a RAG1-related disease. Algorithms developed to predict the effect of missense changes on protein structure and function do not agree on the potential impact of this missense change (SIFT: "Deleterious"; PolyPhen-2: "Benign"; Align-GVGD: "Class C0"). In summary, this variant is a novel missense change with uncertain impact on protein function. It has been classified as a Variant of Uncertain Significance.

NM_000448.3(RAG1):c.851C>T (p.Pro284Leu)

Gene: RAG1 (recombination activating 1; plus strand). Cytogenetic location: 11p12.
Variant type: single nucleotide variant.
Coding change: c.851C>T on transcript NM_000448.3 (MANE Select); coding-DNA position 851, C replaced by T.
Protein change: p.Pro284Leu; replaces proline 284 with leucine.
Molecular consequence: missense variant.
Genome position (GRCh38, 1-based): chr11:36,574,155, C>T. VCF-style: chr11-36574155-C-T. GRCh37 (hg19) VCF-style: chr11-36595705-C-T.
Other names: c.851C>T, p.Pro284Leu (NM_001377277.1, NM_001377278.1, NM_001377279.1 and 1 more transcripts); short protein forms P284L.
Identifiers: ClinVar variation 469116 (VCV000469116.10), dbSNP rs1554944775, ClinGen allele CA380150115.
Genomic context (GRCh38, chr11:36,574,155, plus strand): 5'-AGAAGATCGCCAACTGCAGTAAGATACATCTTAGTACCAAGCTCCTTGCAGTGGACTTCC[C>T]AGAGCACTTTGTGAAATCCATCTCCTGCCAGATCTGTGAACACATTCTGGCTGACCCTGT-3'
Protein context (NP_000439.2, residues 274-294): LSTKLLAVDF[Pro284Leu]EHFVKSISCQ